The following is an entry in ClinVar:

ClinVar aggregate classification (germline): Uncertain significance. Review status: criteria provided, multiple submitters, no conflicts (2 of 4 stars). 2 submissions from 2 submitters: Uncertain significance (2). Last evaluated 2025-10-22.

Conditions:
Epileptic encephalopathy. Identifiers: MedGen C0543888, HP:0200134.

gnomAD v4.1: 53 of 1,612,230 alleles (0.0033%); highest among the groups gnomAD compares: African/African-American, 0.0093%; no homozygotes.

Submissions (2):

Ambry Genetics
Classification: Uncertain significance. Last evaluated: 2025-10-22. Review status: criteria provided, single submitter. Criteria: Ambry Variant Classification Scheme 2023. Collection method: clinical testing. Allele origin: germline.

Labcorp Genetics (formerly Invitae), Labcorp
Classification: Uncertain significance for Epileptic encephalopathy. Last evaluated: 2024-12-08. Review status: criteria provided, single submitter. Criteria: Invitae Variant Classification Sherloc (09022015). Collection method: clinical testing. Allele origin: germline.
Comment: This sequence change replaces valine, which is neutral and non-polar, with isoleucine, which is neutral and non-polar, at codon 231 of the FASN protein (p.Val231Ile). The frequency data for this variant in the population databases is considered unreliable, as metrics indicate poor data quality at this position in the gnomAD database. This variant has not been reported in the literature in individuals affected with FASN-related conditions. An algorithm developed to predict the effect of missense changes on protein structure and function outputs the following: PolyPhen-2: "Benign". The isoleucine amino acid residue is found in multiple mammalian species, which suggests that this missense change does not adversely affect protein function. In summary, the available evidence is currently insufficient to determine the role of this variant in disease. Therefore, it has been classified as a Variant of Uncertain Significance.

NM_004104.5(FASN):c.691G>A (p.Val231Ile)

Gene: FASN (fatty acid synthase; minus strand). Cytogenetic location: 17q25.3.
Variant type: single nucleotide variant.
Coding change: c.691G>A on transcript NM_004104.5 (MANE Select); coding-DNA position 691, G replaced by A.
Protein change: p.Val231Ile; replaces valine 231 with isoleucine.
Molecular consequence: missense variant.
Genome position (GRCh38, 1-based): chr17:82,092,984, C>T on the plus strand (G>A on the coding strand, the complement: FASN is on the minus strand). VCF-style: chr17-82092984-C-T. GRCh37 (hg19) VCF-style: chr17-80050860-C-T.
Other names: c.691G>A (NM_004104.4); short protein forms V231I.
Identifiers: ClinVar variation 3715649 (VCV003715649.3).